The following is an entry in ClinVar:

NM_005356.5(LCK):c.851C>G (p.Ala284Gly)

Gene: LCK (LCK proto-oncogene, Src family tyrosine kinase; plus strand). Cytogenetic location: 1p35.2.
Variant type: single nucleotide variant.
Coding change: c.851C>G on transcript NM_005356.5 (MANE Select); coding-DNA position 851, C replaced by G.
Protein change: p.Ala284Gly; replaces alanine 284 with glycine.
Molecular consequence: missense variant.
Genome position (GRCh38, 1-based): chr1:32,276,673, C>G. VCF-style: chr1-32276673-C-G. GRCh37 (hg19) VCF-style: chr1-32742274-C-G.
Other names: c.851C>G, p.Ala284Gly (NM_001042771.3); c.698C>G, p.Ala233Gly (NM_001330468.2); short protein forms A284G, A233G.
Identifiers: ClinVar variation 571219 (VCV000571219.10), dbSNP rs142611772, ClinGen allele CA741220.

ClinVar aggregate classification (germline): Uncertain significance. Review status: criteria provided, multiple submitters, no conflicts (2 of 4 stars). 2 submissions from 2 submitters: Uncertain significance (2). Last evaluated 2024-09-17.

Conditions:
Severe combined immunodeficiency due to LCK deficiency. Also called: Immunodeficiency 22. Identifiers: Orphanet 280142, MedGen C4014233, MONDO:0014334, OMIM 615758.

Allele frequency attached by ClinVar (database versions not stated): gnomAD 0.00019 and 0.00020; TOPMed 0.00019; 1000 Genomes Project 30x 0.00031; ESP Exome Variant Server 0.00031; 1000 Genomes Project 0.00040.
gnomAD v4.1: 80 of 1,614,108 alleles (0.005%); highest among the groups gnomAD compares: African/African-American, 0.089%; no homozygotes.

Submissions (2):

Labcorp Genetics (formerly Invitae), Labcorp
Classification: Uncertain significance for Severe combined immunodeficiency due to LCK deficiency. Last evaluated: 2024-09-17. Review status: criteria provided, single submitter. Criteria: Invitae Variant Classification Sherloc (09022015). Collection method: clinical testing. Allele origin: germline.
Comment: This sequence change replaces alanine, which is neutral and non-polar, with glycine, which is neutral and non-polar, at codon 284 of the LCK protein (p.Ala284Gly). This variant is present in population databases (rs142611772, gnomAD 0.09%). This variant has not been reported in the literature in individuals affected with LCK-related conditions. ClinVar contains an entry for this variant (Variation ID: 571219). An algorithm developed to predict the effect of missense changes on protein structure and function (PolyPhen-2) suggests that this variant is likely to be disruptive. In summary, the available evidence is currently insufficient to determine the role of this variant in disease. Therefore, it has been classified as a Variant of Uncertain Significance.

Baylor Genetics
Classification: Uncertain significance for Severe combined immunodeficiency due to LCK deficiency. Last evaluated: 2019-11-26. Review status: criteria provided, single submitter. Criteria: ACMG Guidelines, 2015. Collection method: clinical testing. Allele origin: unknown. Affected: yes.
Comment: This variant was determined to be of uncertain significance according to ACMG Guidelines, 2015 [PMID:25741868].